The following is an entry in ClinVar:

ClinVar aggregate classification (germline): Uncertain significance. Review status: criteria provided, multiple submitters, no conflicts (2 of 4 stars). 4 submissions from 3 submitters: Uncertain significance (4). Last evaluated 2026-05-01.

Conditions:
Tangier disease (TGD). Also called: HIGH DENSITY LIPOPROTEIN DEFICIENCY, TANGIER TYPE; HIGH DENSITY LIPOPROTEIN DEFICIENCY, TYPE 1; Cholesterol thesaurismosis. Identifiers: Orphanet 31150, MedGen C0039292, MONDO:0008783, OMIM 205400.
Hypoalphalipoproteinemia, primary, 1. Identifiers: Orphanet 425, MedGen C5231558, MONDO:0011393, OMIM 604091.

Allele frequency attached by ClinVar (database versions not stated): ExAC 0.00001; gnomAD exomes 0.00001 and 0.00002.
gnomAD v4.1: 33 of 1,614,022 alleles (0.002%); highest among the groups gnomAD compares: Middle Eastern, 0.017%; no homozygotes.

Submissions (4):

CeGaT Center for Human Genetics Tuebingen
Classification: Uncertain significance. Last evaluated: 2026-05-01. Review status: criteria provided, single submitter. Criteria: CeGaT Center For Human Genetics Tuebingen Variant Classification Criteria Version 2. Collection method: clinical testing. Allele origin: germline. Affected: yes. Observed: 1 variant allele.
Comment: ABCA1: PM2

Labcorp Genetics (formerly Invitae), Labcorp
Classification: Uncertain significance. Last evaluated: 2021-12-02. Review status: criteria provided, single submitter. Criteria: Invitae Variant Classification Sherloc (09022015). Collection method: clinical testing. Allele origin: germline.
Comment: This variant has not been reported in the literature in individuals affected with ABCA1-related conditions. This variant is present in population databases (rs769337995, gnomAD 0.002%). This sequence change replaces cysteine, which is neutral and slightly polar, with tyrosine, which is neutral and polar, at codon 23 of the ABCA1 protein (p.Cys23Tyr). ClinVar contains an entry for this variant (Variation ID: 912355). Algorithms developed to predict the effect of missense changes on protein structure and function (SIFT, PolyPhen-2, Align-GVGD) all suggest that this variant is likely to be tolerated. In summary, the available evidence is currently insufficient to determine the role of this variant in disease. Therefore, it has been classified as a Variant of Uncertain Significance.

Illumina Laboratory Services, Illumina
Classification: Uncertain significance for Tangier disease. Last evaluated: 2018-01-12. Review status: criteria provided, single submitter. Criteria: ICSL Variant Classification Criteria 13 December 2019. Collection method: clinical testing. Allele origin: germline.

Illumina Laboratory Services, Illumina
Classification: Uncertain significance for Hypoalphalipoproteinemia, primary, 1. Last evaluated: 2018-01-12. Review status: criteria provided, single submitter. Criteria: ICSL Variant Classification Criteria 13 December 2019. Collection method: clinical testing. Allele origin: germline.

NM_005502.4(ABCA1):c.68G>A (p.Cys23Tyr)

Gene: ABCA1 (ATP binding cassette subfamily A member 1; minus strand). Cytogenetic location: 9q31.1.
Variant type: single nucleotide variant.
Coding change: c.68G>A on transcript NM_005502.4 (MANE Select); coding-DNA position 68, G replaced by A.
Protein change: p.Cys23Tyr; replaces cysteine 23 with tyrosine.
Molecular consequence: missense variant.
Genome position (GRCh38, 1-based): chr9:104,889,194, C>T on the plus strand (G>A on the coding strand, the complement: ABCA1 is on the minus strand). VCF-style: chr9-104889194-C-T. GRCh37 (hg19) VCF-style: chr9-107651475-C-T.
Other names: short protein forms C23Y.
Identifiers: ClinVar variation 912355 (VCV000912355.11), dbSNP rs769337995, ClinGen allele CA5169499.